The following is an entry in ClinVar:

NM_004612.4(TGFBR1):c.1040G>C (p.Cys347Ser)

Gene: TGFBR1 (transforming growth factor beta receptor 1; plus strand). Cytogenetic location: 9q22.33.
Variant type: single nucleotide variant.
Coding change: c.1040G>C on transcript NM_004612.4 (MANE Select); coding-DNA position 1040, G replaced by C.
Protein change: p.Cys347Ser; replaces cysteine 347 with serine.
Molecular consequence: missense variant.
Genome position (GRCh38, 1-based): chr9:99,144,798, G>C. VCF-style: chr9-99144798-G-C. GRCh37 (hg19) VCF-style: chr9-101907080-G-C.
Other names: c.809G>C, p.Cys270Ser (NM_001130916.3); c.1052G>C, p.Cys351Ser (NM_001306210.2); c.1040G>C (NM_004612.2); short protein forms C347S, C351S, C270S.
Identifiers: ClinVar variation 919136 (VCV000919136.15), dbSNP rs113786548, ClinGen allele CA043804.

ClinVar aggregate classification (germline): Uncertain significance. Review status: criteria provided, multiple submitters, no conflicts (2 of 4 stars). 7 submissions from 7 submitters: Uncertain significance (7). Last evaluated 2025-05-31.

Conditions:
Loeys-Dietz syndrome 1 (LDS1). Also called: TGFBR1-Related Loeys-Dietz Syndrome; FURLONG SYNDROME; AORTIC ANEURYSM, FAMILIAL THORACIC 5. Identifiers: Orphanet 60030, MedGen C4551955, MONDO:0012212, OMIM 609192.
Loeys-Dietz syndrome (LDS). Identifiers: Orphanet 60030, MedGen C2697932, MONDO:0018954.
Multiple self-healing squamous epithelioma (MSSE). Also called: MULTIPLE SELF-HEALING SQUAMOUS EPITHELIOMA, SUSCEPTIBILITY TO. Identifiers: Orphanet 65748, MedGen C0546476, MONDO:0007566, OMIM 132800.
Familial thoracic aortic aneurysm and aortic dissection (TAAD). Also called: Thoracic aortic aneurysms and dissections. Identifiers: Orphanet 91387, MedGen C4707243, MONDO:0019625.

Allele frequency attached by ClinVar (database versions not stated): gnomAD exomes 0.00001 and 0.00002; ExAC 0.00002; gnomAD 0.00005 and 0.00006; TOPMed 0.00009; ESP Exome Variant Server 0.00015.
gnomAD v4.1: 20 of 1,613,986 alleles (0.0012%); highest among the groups gnomAD compares: African/African-American, 0.023%; no homozygotes.

Submissions (7):

Labcorp Genetics (formerly Invitae), Labcorp
Classification: Uncertain significance for Familial thoracic aortic aneurysm and aortic dissection. Last evaluated: 2025-05-31. Review status: criteria provided, single submitter. Criteria: Invitae Variant Classification Sherloc (09022015). Collection method: clinical testing. Allele origin: germline.
Comment: This sequence change replaces cysteine, which is neutral and slightly polar, with serine, which is neutral and polar, at codon 347 of the TGFBR1 protein (p.Cys347Ser). This variant is present in population databases (rs113786548, gnomAD 0.02%). This variant has not been reported in the literature in individuals affected with TGFBR1-related conditions. ClinVar contains an entry for this variant (Variation ID: 919136). Invitae Evidence Modeling of protein sequence and biophysical properties (such as structural, functional, and spatial information, amino acid conservation, physicochemical variation, residue mobility, and thermodynamic stability) indicates that this missense variant is expected to disrupt TGFBR1 protein function with a positive predictive value of 80%. In summary, the available evidence is currently insufficient to determine the role of this variant in disease. Therefore, it has been classified as a Variant of Uncertain Significance.

Ambry Genetics
Classification: Uncertain significance for Familial thoracic aortic aneurysm and aortic dissection. Last evaluated: 2024-05-26. Review status: criteria provided, single submitter. Criteria: Ambry Variant Classification Scheme 2023. Collection method: clinical testing. Allele origin: germline.
Comment: The p.C347S variant (also known as c.1040G>C), located in coding exon 6 of the TGFBR1 gene, results from a G to C substitution at nucleotide position 1040. The cysteine at codon 347 is replaced by serine, an amino acid with dissimilar properties, and is located in the protein kinase domain. This amino acid position is highly conserved in available vertebrate species. In addition, this alteration is predicted to be deleterious by in silico analysis. Since supporting evidence is limited at this time, the clinical significance of this alteration remains unclear.

All of Us Research Program, National Institutes of Health
Classification: Uncertain significance for Loeys-Dietz syndrome. Last evaluated: 2023-12-18. Review status: criteria provided, single submitter. Criteria: ACMG Guidelines, 2015. Collection method: clinical testing. Allele origin: germline. Inheritance: Autosomal dominant inheritance. Observed: 4 variant alleles, 4 heterozygotes.
Comment: Variant of Uncertain Significance due to insufficient evidence: This missense variant is located in the cytoplasmic, protein kinase domain of the TGFBR1 protein. Computational prediction tools and conservation analyses suggest that this variant may have deleterious impact on the protein function. Computational splicing tools suggest that this variant may not impact RNA splicing. To our knowledge, functional assays have not been performed for this variant nor has this variant been reported in individuals affected with cardiovascular disorders in the literature. This variant has been identified in 4/276704 chromosomes in the general population by the Genome Aggregation Database (gnomAD). Available evidence is insufficient to determine the role of this variant in disease conclusively.

This study involves interpretation of variants in research participants for the purpose of population health screening. Participant phenotype was not available at the time of variant classification. Additional details can be found in publication PMID: 35346344, PMCID: PMC8962531

Color Diagnostics, LLC DBA Color Health
Classification: Uncertain significance for Familial thoracic aortic aneurysm and aortic dissection. Last evaluated: 2023-09-20. Review status: criteria provided, single submitter. Criteria: ACMG Guidelines, 2015. Collection method: clinical testing. Allele origin: germline.
Comment: This missense variant replaces cysteine with serine at codon 347 of the TGFBR1 protein. Computational prediction suggests that this variant may have deleterious impact on protein structure and function (internally defined REVEL score threshold >= 0.7, PMID: 27666373). To our knowledge, functional studies have not been reported for this variant. This variant has not been reported in individuals affected with TGFBR1-related disorders in the literature. This variant has been identified in 5/282394 chromosomes in the general population by the Genome Aggregation Database (gnomAD). The available evidence is insufficient to determine the role of this variant in disease conclusively. Therefore, this variant is classified as a Variant of Uncertain Significance.

GeneDx
Classification: Uncertain significance. Last evaluated: 2023-07-14. Review status: criteria provided, single submitter. Criteria: GeneDx Variant Classification Process June 2021. Collection method: clinical testing. Allele origin: germline. Affected: yes.
Comment: Not observed at significant frequency in large population cohorts (gnomAD); In silico analysis supports that this missense variant has a deleterious effect on protein structure/function; Has not been previously published as pathogenic or benign to our knowledge

Pittsburgh Clinical Genomics Laboratory, University of Pittsburgh Medical Center
Classification: Uncertain significance for Loeys-Dietz syndrome 1. Last evaluated: 2023-05-19. Review status: criteria provided, single submitter. Criteria: ACMG Guidelines, 2015. Collection method: clinical testing. Allele origin: germline. Inheritance: Autosomal dominant inheritance. Affected: yes.
Comment: This sequence variant is a single nucleotide substitution (G>C) at position 1040 of the coding sequence of the TGFBR1 gene that results in a cysteine to serine amino acid change at residue 347 of the transforming growth factor beta receptor 1 protein. The Cys347 residue falls within the protein kise domain (Uniprot) which plays a critical role in the function of TGFBR1. This is a previously reported variant (ClinVar) that has not been observed in the literature in individuals with TGFBR1-related illness, to our knowledge. This variant is present in 5 of 282394 alleles (0.0018%) in the gnomAD population dataset. Multiple bioinformatic tools predict that this Cys to Ser amino acid change would be damaging, and the Cys347 residue at this position is highly conserved across the vertebrate species examined. Studies examining the functiol consequence of this variant have not been performed, to our knowledge. At this time there is insufficient evidence to determine if this variant is pathogenic or benign. Therefore, we consider this to be a variant of uncertain significance. ACMG Criteria: PM1, PM2, PP3

Fulgent Genetics
Classification: Uncertain significance for Multiple self-healing squamous epithelioma; Loeys-Dietz syndrome 1. Last evaluated: 2021-09-01. Review status: criteria provided, single submitter. Criteria: ACMG Guidelines, 2015. Collection method: clinical testing. Allele origin: unknown.